The following is an entry in ClinVar:

NM_014855.3(AP5Z1):c.1951G>A (p.Gly651Ser)

Gene: AP5Z1 (adaptor related protein complex 5 subunit zeta 1; plus strand). Cytogenetic location: 7p22.1.
Variant type: single nucleotide variant.
Coding change: c.1951G>A on transcript NM_014855.3 (MANE Select); coding-DNA position 1951, G replaced by A.
Protein change: p.Gly651Ser; replaces glycine 651 with serine.
Molecular consequence: missense variant. On other transcripts: non-coding transcript variant (1).
Genome position (GRCh38, 1-based): chr7:4,790,685, G>A. VCF-style: chr7-4790685-G-A. GRCh37 (hg19) VCF-style: chr7-4830316-G-A.
Other names: c.1483G>A, p.Gly495Ser (NM_001364858.1); short protein forms G651S, G495S.
Identifiers: ClinVar variation 970959 (VCV000970959.2), dbSNP rs772049256, ClinGen allele CA4138233.

ClinVar aggregate classification (germline): Uncertain significance. Review status: criteria provided, multiple submitters, no conflicts (2 of 4 stars). 2 submissions from 2 submitters: Uncertain significance (2). Last evaluated 2024-06-19.

Conditions:
Inborn genetic diseases. Identifiers: MedGen C0950123, MeSH D030342.
Hereditary spastic paraplegia 48. Also called: Spastic paraplegia 48; SPASTIC PARAPLEGIA 48, AUTOSOMAL RECESSIVE. Identifiers: Orphanet 306511, MedGen C3150901, MONDO:0013342, OMIM 613647.

Allele frequency attached by ClinVar (database versions not stated): gnomAD 0.00004 and 0.00007; gnomAD exomes 0.00004 and 0.00005; TOPMed 0.00004; ExAC 0.00008.
gnomAD v4.1: 63 of 1,611,774 alleles (0.0039%); highest among the groups gnomAD compares: South Asian, 0.049%; 2 homozygotes.

Submissions (2):

Ambry Genetics
Classification: Uncertain significance for Inborn genetic diseases. Last evaluated: 2024-06-19. Review status: criteria provided, single submitter. Criteria: Ambry Variant Classification Scheme 2023. Collection method: clinical testing. Allele origin: germline.

Labcorp Genetics (formerly Invitae), Labcorp
Classification: Uncertain significance for Spastic paraplegia 48, autosomal recessive. Last evaluated: 2019-10-30. Review status: criteria provided, single submitter. Criteria: Invitae Variant Classification Sherloc (09022015). Collection method: clinical testing. Allele origin: germline.
Comment: This sequence change replaces glycine with serine at codon 651 of the AP5Z1 protein (p.Gly651Ser). The glycine residue is highly conserved and there is a small physicochemical difference between glycine and serine. This variant is present in population databases (rs772049256, ExAC 0.05%). This variant has not been reported in the literature in individuals with AP5Z1-related conditions. Algorithms developed to predict the effect of missense changes on protein structure and function are either unavailable or do not agree on the potential impact of this missense change (SIFT: "Deleterious"; PolyPhen-2: "Probably Damaging"; Align-GVGD: "Class C0"). In summary, the available evidence is currently insufficient to determine the role of this variant in disease. Therefore, it has been classified as a Variant of Uncertain Significance.